The following is an entry in ClinVar:

ClinVar aggregate classification (germline): Uncertain significance (1 of 4 stars; one submission).

Allele frequency attached by ClinVar (database versions not stated): TOPMed below 0.00001.
gnomAD v4.1: 1 of 1,613,956 alleles (0.000062%); highest among the groups gnomAD compares: Non-Finnish European, 0.000085%; no homozygotes.

Submission:

Labcorp Genetics (formerly Invitae), Labcorp
Classification: Uncertain significance. Last evaluated: 2022-03-25. Review status: criteria provided, single submitter. Criteria: Invitae Variant Classification Sherloc (09022015). Collection method: clinical testing. Allele origin: germline.
Comment: This variant has not been reported in the literature in individuals affected with GEMIN4-related conditions. This sequence change creates a premature translational stop signal (p.Gln638*) in the GEMIN4 gene. While this is not anticipated to result in nonsense mediated decay, it is expected to disrupt the last 421 amino acid(s) of the GEMIN4 protein. This variant is not present in population databases (gnomAD no frequency). Experimental studies and prediction algorithms are not available or were not evaluated, and the functional significance of this variant is currently unknown. In summary, the available evidence is currently insufficient to determine the role of this variant in disease. Therefore, it has been classified as a Variant of Uncertain Significance.

NM_015721.3(GEMIN4):c.1912C>T (p.Gln638Ter)

Gene: GEMIN4 (gem nuclear organelle associated protein 4; minus strand). Cytogenetic location: 17p13.3.
Variant type: single nucleotide variant.
Coding change: c.1912C>T on transcript NM_015721.3 (MANE Select); coding-DNA position 1912, C replaced by T.
Protein change: p.Gln638Ter; replaces glutamine 638 with a stop codon.
Molecular consequence: nonsense.
Genome position (GRCh38, 1-based): chr17:746,131, G>A on the plus strand (C>T on the coding strand, the complement: GEMIN4 is on the minus strand). VCF-style: chr17-746131-G-A. GRCh37 (hg19) VCF-style: chr17-649371-G-A.
Other names: short protein forms Q638*.
Identifiers: ClinVar variation 1938180 (VCV001938180.5), dbSNP rs1469376705, ClinGen allele CA397506095.